The following is an entry in ClinVar:

NM_002661.5(PLCG2):c.1093G>T (p.Asp365Tyr)

Gene: PLCG2 (phospholipase C gamma 2; plus strand). Cytogenetic location: 16q23.3.
Variant type: single nucleotide variant.
Coding change: c.1093G>T on transcript NM_002661.5 (MANE Select); coding-DNA position 1093, G replaced by T.
Protein change: p.Asp365Tyr; replaces aspartic acid 365 with tyrosine.
Molecular consequence: missense variant.
Genome position (GRCh38, 1-based): chr16:81,895,827, G>T. VCF-style: chr16-81895827-G-T. GRCh37 (hg19) VCF-style: chr16-81929432-G-T.
Other names: c.1093G>T, p.Asp365Tyr (NM_001425749.1, NM_001425750.1, NM_001425751.1); short protein forms D365Y.
Identifiers: ClinVar variation 3690106 (VCV003690106.6).

ClinVar aggregate classification (germline): Uncertain significance. Review status: criteria provided, multiple submitters, no conflicts (2 of 4 stars). 2 submissions from 2 submitters: Uncertain significance (2). Last evaluated 2026-02-01.

Conditions:
Familial cold autoinflammatory syndrome 3 (FCAS3). Also called: FAMILIAL ATYPICAL COLD URTICARIA; ANTIBODY DEFICIENCY AND IMMUNE DYSREGULATION, PLCG2-ASSOCIATED. Identifiers: Orphanet 300359, MedGen C3280914, MONDO:0013766, OMIM 614468.

gnomAD v4.1: 21 of 1,614,008 alleles (0.0013%); highest among the groups gnomAD compares: Non-Finnish European, 0.0017%; no homozygotes.

Submissions (2):

CeGaT Center for Human Genetics Tuebingen
Classification: Uncertain significance. Last evaluated: 2026-02-01. Review status: criteria provided, single submitter. Criteria: CeGaT Center For Human Genetics Tuebingen Variant Classification Criteria Version 2. Collection method: clinical testing. Allele origin: germline. Affected: yes. Observed: 1 variant allele.
Comment: PLCG2: PM2

Labcorp Genetics (formerly Invitae), Labcorp
Classification: Uncertain significance for Familial cold autoinflammatory syndrome 3. Last evaluated: 2024-11-04. Review status: criteria provided, single submitter. Criteria: Invitae Variant Classification Sherloc (09022015). Collection method: clinical testing. Allele origin: germline.
Comment: This sequence change replaces aspartic acid, which is acidic and polar, with tyrosine, which is neutral and polar, at codon 365 of the PLCG2 protein (p.Asp365Tyr). This variant is present in population databases (no rsID available, gnomAD 0.0009%). This variant has not been reported in the literature in individuals affected with PLCG2-related conditions. An algorithm developed to predict the effect of missense changes on protein structure and function (PolyPhen-2) suggests that this variant is likely to be disruptive. In summary, the available evidence is currently insufficient to determine the role of this variant in disease. Therefore, it has been classified as a Variant of Uncertain Significance.